The following is an entry in ClinVar:

ClinVar aggregate classification (germline): Conflicting classifications of pathogenicity. Review status: criteria provided, conflicting classifications (1 of 4 stars). 3 submissions from 3 submitters: Uncertain significance (2); Likely benign (1). Last evaluated 2025-09-24.

Conditions:
Familial cold autoinflammatory syndrome 4 (FCAS4). Identifiers: Orphanet 47045, Orphanet 576349, MedGen C4015276, MONDO:0014498, OMIM 616115.
Periodic fever-infantile enterocolitis-autoinflammatory syndrome. Also called: Autoinflammation with infantile enterocolitis. Identifiers: Orphanet 436166, MedGen C4015067, MONDO:0014472, OMIM 616050.
Inborn genetic diseases. Identifiers: MedGen C0950123, MeSH D030342.
Autoinflammatory syndrome. Identifiers: Orphanet 93665, MedGen C3890737, MONDO:0019751.

Allele frequency attached by ClinVar (database versions not stated): gnomAD exomes below 0.00001 and 0.00001; gnomAD 0.00001; ExAC 0.00002; TOPMed below 0.00001.
gnomAD v4.1: 8 of 1,614,104 alleles (0.0005%); highest among the groups gnomAD compares: East Asian, 0.0045%; no homozygotes.

Submissions (3):

Labcorp Genetics (formerly Invitae), Labcorp
Classification: Uncertain significance for Periodic fever-infantile enterocolitis-autoinflammatory syndrome; Familial cold autoinflammatory syndrome 4. Last evaluated: 2025-09-24. Review status: criteria provided, single submitter. Criteria: Invitae Variant Classification Sherloc (09022015). Collection method: clinical testing. Allele origin: germline.
Comment: This sequence change replaces methionine, which is neutral and non-polar, with threonine, which is neutral and polar, at codon 235 of the NLRC4 protein (p.Met235Thr). This variant is present in population databases (rs770505969, gnomAD 0.02%). This variant has not been reported in the literature in individuals affected with NLRC4-related conditions. ClinVar contains an entry for this variant (Variation ID: 1414057). Invitae Evidence Modeling of protein sequence and biophysical properties (such as structural, functional, and spatial information, amino acid conservation, physicochemical variation, residue mobility, and thermodynamic stability) indicates that this missense variant is not expected to disrupt NLRC4 protein function with a negative predictive value of 80%. In summary, the available evidence is currently insufficient to determine the role of this variant in disease. Therefore, it has been classified as a Variant of Uncertain Significance.

Ambry Genetics
Classification: Uncertain significance for Inborn genetic diseases. Last evaluated: 2023-06-30. Review status: criteria provided, single submitter. Criteria: Ambry Variant Classification Scheme 2023. Collection method: clinical testing. Allele origin: germline.

Genome Diagnostics Laboratory, The Hospital for Sick Children
Classification: Likely benign for Autoinflammatory syndrome. Last evaluated: 2020-06-01. Review status: criteria provided, single submitter. Criteria: ACMG Guidelines, 2015. Collection method: clinical testing. Allele origin: germline. Affected: yes.

NM_001199138.2(NLRC4):c.704T>C (p.Met235Thr)

Gene: NLRC4 (NLR family CARD domain containing 4; minus strand). Cytogenetic location: 2p22.3.
Variant type: single nucleotide variant.
Coding change: c.704T>C on transcript NM_001199138.2 (MANE Select); coding-DNA position 704, T replaced by C.
Protein change: p.Met235Thr; replaces methionine 235 with threonine.
Molecular consequence: missense variant. On other transcripts: intron variant (1).
Genome position (GRCh38, 1-based): chr2:32,251,160, A>G on the plus strand (T>C on the coding strand, the complement: NLRC4 is on the minus strand). VCF-style: chr2-32251160-A-G. GRCh37 (hg19) VCF-style: chr2-32476229-A-G.
Other names: c.704T>C, p.Met235Thr (NM_001199139.2, NM_021209.5); c.262+1259T>C (NM_001302504.1); short protein forms M235T.
Identifiers: ClinVar variation 1414057 (VCV001414057.12), dbSNP rs770505969, ClinGen allele CA1602098.
Genomic context (GRCh38, chr2:32,251,160, plus strand): 5'-GGCTTGAATTCATTGTAGCCATCAAGAAGGAAAAGAACCCTCTGCCGCAGCTTCAGCAGC[A>G]TGGCCATGAATGTCTGCTTCCTGATTGTGCCAGGTATATCCAGGAGTTGATCACAGAGGG-3'
Protein context (NP_001186067.1, residues 225-245): GTIRKQTFMA[Met235Thr]LLKLRQRVLF